The following is an entry in ClinVar:

ClinVar aggregate classification (germline): Uncertain significance (1 of 4 stars; one submission).

Allele frequency attached by ClinVar (database versions not stated): ExAC 0.00002.
gnomAD v4.1: 14 of 1,603,212 alleles (0.00087%); highest among the groups gnomAD compares: East Asian, 0.016%; no homozygotes.

Submission:

Labcorp Genetics (formerly Invitae), Labcorp
Classification: Uncertain significance. Last evaluated: 2024-11-05. Review status: criteria provided, single submitter. Criteria: Invitae Variant Classification Sherloc (09022015). Collection method: clinical testing. Allele origin: germline.
Comment: This sequence change replaces arginine, which is basic and polar, with glutamine, which is neutral and polar, at codon 26 of the MRPS14 protein (p.Arg26Gln). This variant is present in population databases (rs752490303, gnomAD 0.01%). This variant has not been reported in the literature in individuals affected with MRPS14-related conditions. ClinVar contains an entry for this variant (Variation ID: 2995750). An algorithm developed to predict the effect of missense changes on protein structure and function (PolyPhen-2) suggests that this variant is likely to be disruptive. In summary, the available evidence is currently insufficient to determine the role of this variant in disease. Therefore, it has been classified as a Variant of Uncertain Significance.

NM_022100.3(MRPS14):c.77G>A (p.Arg26Gln)

Gene: MRPS14 (mitochondrial ribosomal protein S14; minus strand). Cytogenetic location: 1q25.1.
Variant type: single nucleotide variant.
Coding change: c.77G>A on transcript NM_022100.3 (MANE Select); coding-DNA position 77, G replaced by A.
Protein change: p.Arg26Gln; replaces arginine 26 with glutamine.
Molecular consequence: missense variant. On other transcripts: non-coding transcript variant (1).
Genome position (GRCh38, 1-based): chr1:175,018,545, C>T on the plus strand (G>A on the coding strand, the complement: MRPS14 is on the minus strand). VCF-style: chr1-175018545-C-T. GRCh37 (hg19) VCF-style: chr1-174987681-C-T.
Other names: short protein forms R26Q.
Identifiers: ClinVar variation 2995750 (VCV002995750.3), dbSNP rs752490303, ClinGen allele CA1253695.